The following is an entry in ClinVar:

NM_006514.4(SCN10A):c.3539C>T (p.Pro1180Leu)

Gene: SCN10A (sodium voltage-gated channel alpha subunit 10; minus strand). Cytogenetic location: 3p22.2.
Variant type: single nucleotide variant.
Coding change: c.3539C>T on transcript NM_006514.4 (MANE Select); coding-DNA position 3539, C replaced by T.
Protein change: p.Pro1180Leu; replaces proline 1180 with leucine.
Molecular consequence: missense variant.
Genome position (GRCh38, 1-based): chr3:38,718,795, G>A on the plus strand (C>T on the coding strand, the complement: SCN10A is on the minus strand). VCF-style: chr3-38718795-G-A. GRCh37 (hg19) VCF-style: chr3-38760286-G-A.
Other names: c.3536C>T, p.Pro1179Leu (NM_001293306.2); c.3245C>T, p.Pro1082Leu (NM_001293307.2); short protein forms P1082L, P1179L, P1180L.
Identifiers: ClinVar variation 3365694 (VCV003365694.1).
Genomic context (GRCh38, chr3:38,718,795, plus strand): 5'-TCGAACACAAAGATAAAGGTGAAGACCCTGTCAGTGTACTCCAGCAAAGCTTTCACCGTG[G>A]GCTTCTGGTCCAGGTAATAGTCTTCAAAGGCCTGGAAGGAAGAAAGGATGCAGAATGGCA-3'
Protein context (NP_006505.4, residues 1170-1190): AFEDYYLDQK[Pro1180Leu]TVKALLEYTD

ClinVar aggregate classification (germline): Uncertain significance (1 of 4 stars; one submission).

gnomAD v4.1: 1 of 1,614,192 alleles (0.000062%); highest among the groups gnomAD compares: Non-Finnish European, 0.000085%; no homozygotes.

Submission:

GeneDx
Classification: Uncertain significance. Last evaluated: 2023-12-19. Review status: criteria provided, single submitter. Criteria: GeneDx Variant Classification Process June 2021. Collection method: clinical testing. Allele origin: germline. Affected: yes.
Comment: Not observed at significant frequency in large population cohorts (gnomAD); In silico analysis supports that this missense variant has a deleterious effect on protein structure/function; Has not been previously published as pathogenic or benign to our knowledge